The following is an entry in ClinVar:

NM_001754.5(RUNX1):c.58+9A>G

Gene: RUNX1 (RUNX family transcription factor 1; minus strand). Cytogenetic location: 21q22.12.
Variant type: single nucleotide variant.
Coding change: c.58+9A>G on transcript NM_001754.5 (MANE Select); 9 bases into the intron after coding-DNA position 58, A replaced by G.
Molecular consequence: intron variant.
Genome position (GRCh38, 1-based): chr21:35,048,833, T>C on the plus strand (A>G on the coding strand, the complement: RUNX1 is on the minus strand). VCF-style: chr21-35048833-T-C. GRCh37 (hg19) VCF-style: chr21-36421130-T-C.
Identifiers: ClinVar variation 705075 (VCV000705075.11), dbSNP rs553468449, ClinGen allele CA10014721.

ClinVar aggregate classification (germline): Likely benign. Review status: reviewed by expert panel (3 of 4 stars). 2 submissions from 2 submitters: Likely benign (1). 1 of the submissions does not count toward it. Last evaluated 2024-07-11.

Conditions:
Hereditary thrombocytopenia and hematological cancer predisposition syndrome associated with RUNX1. Also called: RUNX1 Familial Platelet Disorder with Associated Myeloid Malignancies; Familial Platelet Disorder with Propensity to Acute Myelogenous Leukemia; PLATELET DISORDER, ASPIRIN-LIKE; Familial thrombocytopenia with propensity to acute myelogenous leukemia. Identifiers: Orphanet 71290, MedGen C1832388, MeSH C563324, MONDO:0100083, OMIM 601399.
Hereditary thrombocytopenia and hematologic cancer predisposition syndrome. Identifiers: Orphanet 71290, MedGen CN281654, MONDO:0011071.

Allele frequency attached by ClinVar (database versions not stated): TOPMed 0.00002.
gnomAD v4.1: 12 of 1,610,362 alleles (0.00075%); highest among the groups gnomAD compares: East Asian, 0.0022%; no homozygotes.

Submissions (2):

ClinGen Myeloid Malignancy Variant Curation Expert Panel
Classification: Likely benign for Hereditary thrombocytopenia and hematologic cancer predisposition syndrome. Last evaluated: 2024-07-11. Review status: reviewed by expert panel. Criteria: ClinGen MyeloMalig ACMG Specifications v2. Collection method: curation. Allele origin: germline. Inheritance: Autosomal dominant inheritance.
Comment: The NM_001754.5(RUNX1):c.58+9A>G is an intronic variant which has a SpliceAI score ≤ 0.20 (0.02) (BP4). Evolutionary conservation algorithms predict the site as not being conserved (PhyloP score -2.6 < 2.0) (BP7). This variant has not been reported in an individual meeting at least one of the RUNX1-phenotypic criteria. In summary, this variant meets criteria to be classified as likely benign. ACMG/AMP criteria applied, as specified by the Myeloid Malignancy Variant Curation Expert Panel for RUNX1: BP7, BP4.

Labcorp Genetics (formerly Invitae), Labcorp
Classification: Likely benign for Hereditary thrombocytopenia and hematological cancer predisposition syndrome associated with RUNX1. Last evaluated: 2025-11-22. Review status: criteria provided, single submitter. Criteria: Invitae Variant Classification Sherloc (09022015). Collection method: clinical testing. Allele origin: germline. Not counted in ClinVar's aggregate classification.